The following is an entry in ClinVar:

ClinVar aggregate classification (germline): Conflicting classifications of pathogenicity. Review status: criteria provided, conflicting classifications (1 of 4 stars). 5 submissions from 5 submitters: Uncertain significance (4); Likely benign (1). Last evaluated 2025-12-27.

Conditions:
ALK-related disorder. Also called: ALK-related condition.
Hereditary cancer-predisposing syndrome. Also called: Tumor predisposition; Hereditary neoplastic syndrome; Neoplastic Syndromes, Hereditary; Hereditary Cancer Syndrome. Identifiers: Orphanet 140162, MedGen C0027672, MeSH D009386, MONDO:0015356.
Neuroblastoma, susceptibility to, 3. Also called: ALK-Related Neuroblastic Tumor Susceptibility. Identifiers: Orphanet 635, MedGen C2751681, MONDO:0013083, OMIM 613014.

Allele frequency attached by ClinVar (database versions not stated): gnomAD 0.00002; TOPMed 0.00002.
gnomAD v4.1: 21 of 1,614,076 alleles (0.0013%); highest among the groups gnomAD compares: South Asian, 0.0055%; no homozygotes.

Submissions (5):

Labcorp Genetics (formerly Invitae), Labcorp
Classification: Uncertain significance for Neuroblastoma, susceptibility to, 3. Last evaluated: 2025-12-27. Review status: criteria provided, single submitter. Criteria: Invitae Variant Classification Sherloc (09022015). Collection method: clinical testing. Allele origin: germline.
Comment: This sequence change replaces asparagine, which is neutral and polar, with serine, which is neutral and polar, at codon 1583 of the ALK protein (p.Asn1583Ser). This variant is present in population databases (rs751677905, gnomAD 0.003%). This missense change has been observed in individual(s) with low-grade glioma (PMID: 33486679). ClinVar contains an entry for this variant (Variation ID: 538260). An algorithm developed to predict the effect of missense changes on protein structure and function (PolyPhen-2) suggests that this variant is likely to be tolerated. In summary, the available evidence is currently insufficient to determine the role of this variant in disease. Therefore, it has been classified as a Variant of Uncertain Significance.

PreventionGenetics, part of Exact Sciences
Classification: Uncertain significance for ALK-related condition. Last evaluated: 2025-08-15. Review status: criteria provided, single submitter. Criteria: ACMG Guidelines, 2015. Collection method: clinical testing. Allele origin: germline.
Comment: The ALK c.4748A>G variant is predicted to result in the amino acid substitution p.Asn1583Ser. This variant has been reported in the literature in an individual with low grade glioma (Bu et al. 2021. PubMed ID: 33486679). This variant is reported in 0.0033% of alleles in individuals of South Asian descent in gnomAD and has conflicting interpretations in ClinVar ranging from uncertain in to likely benign Variation ID: 538260). At this time, the clinical significance of this variant is uncertain due to the absence of conclusive functional and genetic evidence.

Ambry Genetics
Classification: Likely benign for Hereditary cancer-predisposing syndrome. Last evaluated: 2025-01-03. Review status: criteria provided, single submitter. Criteria: Ambry Variant Classification Scheme 2023. Collection method: clinical testing. Allele origin: germline.

Baylor Genetics
Classification: Uncertain significance for Neuroblastoma, susceptibility to, 3. Last evaluated: 2023-08-02. Review status: criteria provided, single submitter. Criteria: ACMG Guidelines, 2015. Collection method: clinical testing. Allele origin: unknown.

GeneDx
Classification: Uncertain significance. Last evaluated: 2022-03-25. Review status: criteria provided, single submitter. Criteria: GeneDx Variant Classification Process June 2021. Collection method: clinical testing. Allele origin: germline. Affected: yes.
Comment: Not observed at significant frequency in large population cohorts (gnomAD); In silico analysis supports that this missense variant has a deleterious effect on protein structure/function; Has not been previously published as pathogenic or benign to our knowledge

Literature cited by the submitters: PubMed 33486679 (cited by Labcorp Genetics (formerly Invitae), Labcorp).

NM_004304.5(ALK):c.4748A>G (p.Asn1583Ser)

Gene: ALK (ALK receptor tyrosine kinase; minus strand). Cytogenetic location: 2p23.2.
Variant type: single nucleotide variant.
Coding change: c.4748A>G on transcript NM_004304.5 (MANE Select); coding-DNA position 4748, A replaced by G.
Protein change: p.Asn1583Ser; replaces asparagine 1583 with serine.
Molecular consequence: missense variant.
Genome position (GRCh38, 1-based): chr2:29,193,339, T>C on the plus strand (A>G on the coding strand, the complement: ALK is on the minus strand). VCF-style: chr2-29193339-T-C. GRCh37 (hg19) VCF-style: chr2-29416205-T-C.
Other names: c.1544A>G, p.Asn515Ser (NM_001353765.2); short protein forms N1583S, N515S.
Identifiers: ClinVar variation 538260 (VCV000538260.14), dbSNP rs751677905, ClinGen allele CA1593494.